The following is an entry in ClinVar:

NM_004304.5(ALK):c.3361G>A (p.Gly1121Ser)

Gene: ALK (ALK receptor tyrosine kinase; minus strand). Cytogenetic location: 2p23.2.
Variant type: single nucleotide variant.
Coding change: c.3361G>A on transcript NM_004304.5 (MANE Select); coding-DNA position 3361, G replaced by A.
Protein change: p.Gly1121Ser; replaces glycine 1121 with serine.
Molecular consequence: missense variant.
Genome position (GRCh38, 1-based): chr2:29,222,606, C>T on the plus strand (G>A on the coding strand, the complement: ALK is on the minus strand). VCF-style: chr2-29222606-C-T. GRCh37 (hg19) VCF-style: chr2-29445472-C-T.
Other names: c.157G>A, p.Gly53Ser (NM_001353765.2); short protein forms G53S, G1121S.
Identifiers: ClinVar variation 949736 (VCV000949736.13), dbSNP rs781411935, ClinGen allele CA1593975.

ClinVar aggregate classification (germline): Uncertain significance. Review status: criteria provided, multiple submitters, no conflicts (2 of 4 stars). 2 submissions from 2 submitters: Uncertain significance (2). Last evaluated 2025-02-26.

Conditions:
Neuroblastoma, susceptibility to, 3. Also called: ALK-Related Neuroblastic Tumor Susceptibility. Identifiers: Orphanet 635, MedGen C2751681, MONDO:0013083, OMIM 613014.
Hereditary cancer-predisposing syndrome. Also called: Hereditary neoplastic syndrome; Tumor predisposition; Neoplastic Syndromes, Hereditary; Hereditary Cancer Syndrome. Identifiers: Orphanet 140162, MedGen C0027672, MeSH D009386, MONDO:0015356.

Allele frequency attached by ClinVar (database versions not stated): gnomAD 0.00001; gnomAD exomes below 0.00001; TOPMed below 0.00001; ExAC 0.00001.
gnomAD v4.1: 1 of 1,613,372 alleles (0.000062%); highest among the groups gnomAD compares: African/African-American, 0.0013%; no homozygotes.

Submissions (2):

Labcorp Genetics (formerly Invitae), Labcorp
Classification: Uncertain significance for Neuroblastoma, susceptibility to, 3. Last evaluated: 2025-02-26. Review status: criteria provided, single submitter. Criteria: Invitae Variant Classification Sherloc (09022015). Collection method: clinical testing. Allele origin: germline.
Comment: This sequence change replaces glycine, which is neutral and non-polar, with serine, which is neutral and polar, at codon 1121 of the ALK protein (p.Gly1121Ser). This variant is present in population databases (rs781411935, gnomAD 0.007%). This variant has not been reported in the literature in individuals affected with ALK-related conditions. ClinVar contains an entry for this variant (Variation ID: 949736). An algorithm developed to predict the effect of missense changes on protein structure and function (PolyPhen-2) suggests that this variant is likely to be disruptive. In summary, the available evidence is currently insufficient to determine the role of this variant in disease. Therefore, it has been classified as a Variant of Uncertain Significance.

Ambry Genetics
Classification: Uncertain significance for Hereditary cancer-predisposing syndrome. Last evaluated: 2025-02-09. Review status: criteria provided, single submitter. Criteria: Ambry Variant Classification Scheme 2023. Collection method: clinical testing. Allele origin: germline.
Comment: The p.G1121S variant (also known as c.3361G>A), located in coding exon 21 of the ALK gene, results from a G to A substitution at nucleotide position 3361. The glycine at codon 1121 is replaced by serine, an amino acid with similar properties. This amino acid position is highly conserved in available vertebrate species. In addition, the in silico prediction for this alteration is inconclusive. Since supporting evidence is limited at this time, the clinical significance of this alteration remains unclear.